The following is an entry in ClinVar:

NM_001136193.2(FASTKD2):c.1648GAT[1] (p.Asp551del)

Gene: FASTKD2 (FASTK mitochondrial RNA regulator 2; plus strand). Cytogenetic location: 2q33.3.
Variant type: Microsatellite.
Coding change: c.1648GAT[1] on transcript NM_001136193.2 (MANE Select); one copy of the 3-base unit GAT starting at c.1648; the reference has two copies in a row; one copy, 3 bases deleted.
Protein change: p.Asp551del; deletes aspartic acid 551.
Genome position (GRCh38, 1-based): chr2:206,787,993-206,787,995, GAT deleted; deleting any 3 consecutive bases within chr2:206,787,989-206,787,995 gives the same sequence; the position shown is the placement nearest the transcript's 3' end. VCF-style (leftmost placement, unchanged base first): chr2-206787988-TTGA-T. GRCh37 (hg19) VCF-style: chr2-207652712-TTGA-T.
Other names: c.1651_1653del (NM_014929.3); c.1648GAT[1], p.Asp551del (NM_001136194.2, NM_014929.4); short protein forms D551del.
Identifiers: ClinVar variation 3585352 (VCV003585352.4).

ClinVar aggregate classification (germline): Uncertain significance. Review status: criteria provided, multiple submitters, no conflicts (2 of 4 stars). 3 submissions from 3 submitters: Uncertain significance (3). Last evaluated 2026-02-27.

Conditions:
Combined oxidative phosphorylation deficiency 44. Also called: FASTKD2-Related Combined Oxidative Phosphorylation Deficiency. Identifiers: MedGen C5394293, MONDO:0030020, OMIM 618855.

Submissions (3):

GeneDx
Classification: Uncertain significance. Last evaluated: 2026-02-27. Review status: criteria provided, single submitter. Criteria: GeneDx Variant Classification Process June 2021. Collection method: clinical testing. Allele origin: germline.
Comment: In-frame deletion of 1 amino acid(s) in a non-repeat region; Not observed at significant frequency in large population cohorts (gnomAD); In silico analysis suggests that this variant does not alter protein structure/function; Has not been previously published as pathogenic or benign to our knowledge

Labcorp Genetics (formerly Invitae), Labcorp
Classification: Uncertain significance. Last evaluated: 2024-04-16. Review status: criteria provided, single submitter. Criteria: Invitae Variant Classification Sherloc (09022015). Collection method: clinical testing. Allele origin: germline.
Comment: This variant, c.1651_1653del, results in the deletion of 1 amino acid(s) of the FASTKD2 protein (p.Asp551del), but otherwise preserves the integrity of the reading frame. This variant is present in population databases (rs751259751, gnomAD 0.01%). This variant has not been reported in the literature in individuals affected with FASTKD2-related conditions. Experimental studies and prediction algorithms are not available or were not evaluated, and the functional significance of this variant is currently unknown. In summary, the available evidence is currently insufficient to determine the role of this variant in disease. Therefore, it has been classified as a Variant of Uncertain Significance.

Fulgent Genetics
Classification: Uncertain significance for Combined oxidative phosphorylation deficiency 44. Last evaluated: 2024-02-26. Review status: criteria provided, single submitter. Criteria: ACMG Guidelines, 2015. Collection method: clinical testing. Allele origin: germline.